The following is an entry in ClinVar:

NM_000081.4(LYST):c.4651G>A (p.Val1551Met)

Gene: LYST (lysosomal trafficking regulator; minus strand). Cytogenetic location: 1q42.3.
Variant type: single nucleotide variant.
Coding change: c.4651G>A on transcript NM_000081.4 (MANE Select); coding-DNA position 4651, G replaced by A.
Protein change: p.Val1551Met; replaces valine 1551 with methionine.
Molecular consequence: missense variant.
Genome position (GRCh38, 1-based): chr1:235,788,738, C>T on the plus strand (G>A on the coding strand, the complement: LYST is on the minus strand). VCF-style: chr1-235788738-C-T. GRCh37 (hg19) VCF-style: chr1-235952038-C-T.
Other names: c.4651G>A, p.Val1551Met (NM_001301365.1); c.4651G>A (NM_000081.2); short protein forms V1551M.
Identifiers: ClinVar variation 1063588 (VCV001063588.8), dbSNP rs746156651, ClinGen allele CA1466787.

ClinVar aggregate classification (germline): Uncertain significance. Review status: criteria provided, multiple submitters, no conflicts (2 of 4 stars). 3 submissions from 3 submitters: Uncertain significance (3). Last evaluated 2025-03-08.

Conditions:
Chédiak-Higashi syndrome (CHS). Also called: Chediak-Higashi Syndrome. Identifiers: Orphanet 167, MedGen C0007965, MONDO:0008963, OMIM 214500.
Inborn genetic diseases. Identifiers: MedGen C0950123, MeSH D030342.

Allele frequency attached by ClinVar (database versions not stated): ExAC 0.00001; gnomAD 0.00001; gnomAD exomes 0.00002; TOPMed 0.00002.
gnomAD v4.1: 35 of 1,613,694 alleles (0.0022%); highest among the groups gnomAD compares: Non-Finnish European, 0.0028%; no homozygotes.

Submissions (3):

Ambry Genetics
Classification: Uncertain significance for Inborn genetic diseases. Last evaluated: 2025-03-08. Review status: criteria provided, single submitter. Criteria: Ambry Variant Classification Scheme 2023. Collection method: clinical testing. Allele origin: germline.

Labcorp Genetics (formerly Invitae), Labcorp
Classification: Uncertain significance for Chédiak-Higashi syndrome. Last evaluated: 2022-07-09. Review status: criteria provided, single submitter. Criteria: Invitae Variant Classification Sherloc (09022015). Collection method: clinical testing. Allele origin: germline.
Comment: This sequence change replaces valine, which is neutral and non-polar, with methionine, which is neutral and non-polar, at codon 1551 of the LYST protein (p.Val1551Met). This variant is present in population databases (rs746156651, gnomAD 0.005%). This variant has not been reported in the literature in individuals affected with LYST-related conditions. ClinVar contains an entry for this variant (Variation ID: 1063588). Algorithms developed to predict the effect of missense changes on protein structure and function are either unavailable or do not agree on the potential impact of this missense change (SIFT: "Tolerated"; PolyPhen-2: "Possibly Damaging"; Align-GVGD: "Class C0"). In summary, the available evidence is currently insufficient to determine the role of this variant in disease. Therefore, it has been classified as a Variant of Uncertain Significance.

Blueprint Genetics
Classification: Uncertain significance. Last evaluated: 2018-12-21. Review status: criteria provided, single submitter. Criteria: ACMG Guidelines, 2015. Collection method: clinical testing. Allele origin: germline.